The following is an entry in ClinVar:

NM_001845.6(COL4A1):c.3393C>T (p.Val1131=)

Gene: COL4A1 (collagen type IV alpha 1 chain; minus strand). Cytogenetic location: 13q34.
Variant type: single nucleotide variant.
Coding change: c.3393C>T on transcript NM_001845.6 (MANE Select); coding-DNA position 3393, C replaced by T.
Protein change: p.Val1131=; no amino-acid change (valine 1131 retained).
Molecular consequence: synonymous variant.
Genome position (GRCh38, 1-based): chr13:110,174,459, G>A on the plus strand (C>T on the coding strand, the complement: COL4A1 is on the minus strand). VCF-style: chr13-110174459-G-A. GRCh37 (hg19) VCF-style: chr13-110826806-G-A.
Identifiers: ClinVar variation 5000680 (VCV005000680.1).
Genomic context (GRCh38, chr13:110,174,459, plus strand): 5'-CACTGTTCTCTATGTGCCCGGGCTGTGTCCCAAAGAGGGCCCTCTACCTGCTTCTCCTTT[G>A]ACACCAGGGATGCCATCCAATCCTGGGAGGCCTTTGTCACCTTTTTCTCCAGGTAGCCCA-3'
Protein context (NP_001836.3, residues 1121-1141): GLPGLDGIPG[Val1131=]KGEAGLPGTP

ClinVar aggregate classification (germline): Likely benign (1 of 4 stars; one submission).

Conditions:
COL4A1-related disorder. Also called: COL4A1-related condition; COL4A1-related disorders. Identifiers: MedGen CN376119, MONDO:0800461.

gnomAD v4.1: 1 of 1,613,828 alleles (0.000062%); highest among the groups gnomAD compares: Non-Finnish European, 0.000085%; no homozygotes.

Submission:

PreventionGenetics, part of Exact Sciences
Classification: Likely benign for COL4A1-related condition. Last evaluated: 2025-05-02. Review status: criteria provided, single submitter. Criteria: ACMG Guidelines, 2015. Collection method: clinical testing. Allele origin: germline.
Comment: This variant is classified as likely benign based on ACMG/AMP sequence variant interpretation guidelines (Richards et al. 2015 PMID: 25741868, with internal and published modifications).